The following is an entry in ClinVar:

NM_001348716.2(KDM6B):c.2717C>G (p.Pro906Arg)

Gene: KDM6B (lysine demethylase 6B; plus strand). Cytogenetic location: 17p13.1.
Variant type: single nucleotide variant.
Coding change: c.2717C>G on transcript NM_001348716.2 (MANE Select); coding-DNA position 2717, C replaced by G.
Protein change: p.Pro906Arg; replaces proline 906 with arginine.
Molecular consequence: missense variant.
Genome position (GRCh38, 1-based): chr17:7,849,005, C>G. VCF-style: chr17-7849005-C-G. GRCh37 (hg19) VCF-style: chr17-7752323-C-G.
Other names: c.2717C>G, p.Pro906Arg (NM_001080424.2); short protein forms P906R.
Identifiers: ClinVar variation 4529945 (VCV004529945.1).

ClinVar aggregate classification (germline): Uncertain significance (1 of 4 stars; one submission).

gnomAD v4.1: 1 of 1,596,494 alleles (0.000063%); highest among the groups gnomAD compares: Non-Finnish European, 0.000085%; no homozygotes.

Submission:

GeneDx
Classification: Uncertain significance. Last evaluated: 2025-05-13. Review status: criteria provided, single submitter. Criteria: GeneDx Variant Classification Process June 2021. Collection method: clinical testing. Allele origin: germline. Affected: yes.
Comment: Not observed at significant frequency in large population cohorts (gnomAD); In silico analysis suggests that this missense variant does not alter protein structure/function; Has not been previously published as pathogenic or benign to our knowledge